The following is an entry in ClinVar:

ClinVar aggregate classification (germline): Pathogenic. Review status: criteria provided, multiple submitters, no conflicts (2 of 4 stars). 8 submissions from 8 submitters: Pathogenic (7). 1 of the submissions does not count toward it. Last evaluated 2026-01-31.

Conditions:
Gastrointestinal stromal tumor. Also called: Gastrointestinal stroma tumor; Gastrointestinal stromal tumor, somatic. Identifiers: Orphanet 44890, MedGen C0238198, MeSH D046152, MONDO:0011719, OMIM 606764, HP:0100723.
Carney-Stratakis syndrome. Also called: PARAGANGLIOMA AND GASTROINTESTINAL STROMAL TUMOR. Identifiers: Orphanet 97286, MedGen C1847319, MONDO:0011740, OMIM 606864.
Pheochromocytoma/paraganglioma syndrome 4. Also called: SDHB-Related Hereditary Paraganglioma-Pheochromocytoma Syndrome (Paragangliomas 4); CAROTID BODY TUMORS AND MULTIPLE EXTRAADRENAL PHEOCHROMOCYTOMAS; SDHB-Related Hereditary Paraganglioma-Pheochromocytoma Syndrome; PARAGANGLIOMA, FAMILIAL MALIGNANT; PARAGANGLIOMAS, HEREDITARY EXTRAADRENAL; PHEOCHROMOCYTOMA, FAMILIAL EXTRAADRENAL. Identifiers: Orphanet 29072, MedGen C1861848, MONDO:0007273, OMIM 115310.
Mitochondrial complex 2 deficiency, nuclear type 4. Also called: MITOCHONDRIAL COMPLEX II DEFICIENCY, NUCLEAR TYPE 4. Identifiers: MedGen C5543176, MONDO:0030974, OMIM 619224.
Hereditary cancer-predisposing syndrome. Also called: Tumor predisposition; Neoplastic Syndromes, Hereditary; Hereditary Cancer Syndrome; Hereditary neoplastic syndrome. Identifiers: Orphanet 140162, MedGen C0027672, MeSH D009386, MONDO:0015356.
Pheochromocytoma. Also called: MAX-Related Hereditary Paraganglioma-Pheochromocytoma Syndrome. Identifiers: Orphanet 29072, MedGen C0031511, MONDO:0008233, OMIM 171300, HP:0002666.
Hereditary pheochromocytoma and paraganglioma. Also called: Hereditary paragangliomas and pheochromocytomas; Hereditary Paraganglioma-Pheochromocytoma Syndromes; Hereditary pheochromocytoma-paraganglioma. Identifiers: Orphanet 29072, MedGen C4274332, MONDO:0017366.

Allele frequency attached by ClinVar (database versions not stated): gnomAD exomes below 0.00001.
gnomAD v4.1: 2 of 1,614,028 alleles (0.00012%); highest among the groups gnomAD compares: Non-Finnish European, 0.00017%; no homozygotes.

Submissions (8):

Labcorp Genetics (formerly Invitae), Labcorp
Classification: Pathogenic for Gastrointestinal stromal tumor; Pheochromocytoma/paraganglioma syndrome 4; Pheochromocytoma. Last evaluated: 2026-01-31. Review status: criteria provided, single submitter. Criteria: Invitae Variant Classification Sherloc (09022015). Collection method: clinical testing. Allele origin: germline.
Comment: This sequence change replaces cysteine, which is neutral and slightly polar, with arginine, which is basic and polar, at codon 192 of the SDHB protein (p.Cys192Arg). This variant is not present in population databases (gnomAD no frequency). This missense change has been observed in individuals with paragangliomas and/or pheochromocytomas many of them were classified as malignant (PMID: 12000816, 17200167, 18382370, 22517554, 25371406, 27785149). ClinVar contains an entry for this variant (Variation ID: 186150). Invitae Evidence Modeling of protein sequence and biophysical properties (such as structural, functional, and spatial information, amino acid conservation, physicochemical variation, residue mobility, and thermodynamic stability) indicates that this missense variant is expected to disrupt SDHB protein function with a positive predictive value of 80%. Experimental studies have shown that this missense change affects SDHB function (PMID: 22835832). For these reasons, this variant has been classified as Pathogenic.

Ambry Genetics
Classification: Pathogenic for Hereditary cancer-predisposing syndrome. Last evaluated: 2025-09-12. Review status: criteria provided, single submitter. Criteria: Ambry Variant Classification Scheme 2023. Collection method: clinical testing. Allele origin: germline.
Comment: The p.C192R pathogenic mutation (also known as c.574T>C), located in coding exon 6 of the SDHB gene, results from a T to C substitution at nucleotide position 574. The cysteine at codon 192 is replaced by arginine, an amino acid with highly dissimilar properties. This variant was reported in individual(s) with features consistent with SDHB-related hereditary pheochromocytoma-paraganglioma (Neumann HP et al. N. Engl. J. Med. 2002 May;346(19):1459-66; Timmers HJ et al. J. Clin. Endocrinol. Metab. 2007 Mar; 92(3):779-86; Klein RD et al. Diagn. Mol. Pathol. 2008 Jun;17(2):94-100; Burnichon N et al. J. Clin. Endocrinol. Metab. 2009 Aug;94(8):2817-27; Lefebvre S et al. Horm. Metab. Res. 2012 May;44(5):334-8; Michaowska I et al. Kardiochir Torakochirurgia Pol, 2016 Sep;13:276-282; Ambry internal data). In one series of functional studies, the SDHB p.C192R mutant protein was subject to premature degradation, possibly due to the increased ubiquitination levels observed in the mutant protein compared to wild type SDHB protein (Yang C et al. FASEB J. 2012 Nov;26(11):4506-16). The Cys192 residue plays a vital role coordinating the Fe4S4 cluster and it is believed that alterations at this location would prevent assembly of Complex II (Iverson TM et al. J. Biol. Chem. 2012 Oct;287(42):35430-8). This amino acid position is highly conserved in available vertebrate species. In addition, this alteration is predicted to be deleterious by in silico analysis. This variant is considered to be rare based on population cohorts in the Genome Aggregation Database (gnomAD). Based on the supporting evidence, this alteration is interpreted as a disease-causing mutation.

CeGaT Center for Human Genetics Tuebingen
Classification: Pathogenic. Last evaluated: 2025-04-01. Review status: criteria provided, single submitter. Criteria: CeGaT Center For Human Genetics Tuebingen Variant Classification Criteria Version 2. Collection method: clinical testing. Allele origin: germline. Affected: yes. Observed: 1 variant allele.
Comment: SDHB: PS4, PM1, PM2, PM5, PP3, PS3:Supporting

Baylor Genetics
Classification: Pathogenic for Gastrointestinal stromal tumor. Last evaluated: 2024-03-06. Review status: criteria provided, single submitter. Criteria: ACMG Guidelines, 2015. Collection method: clinical testing. Allele origin: unknown.

Fulgent Genetics
Classification: Pathogenic for Pheochromocytoma/paraganglioma syndrome 4; Gastrointestinal stromal tumor; Carney-Stratakis syndrome; Mitochondrial complex 2 deficiency, nuclear type 4. Last evaluated: 2024-03-06. Review status: criteria provided, single submitter. Criteria: ACMG Guidelines, 2015. Collection method: clinical testing. Allele origin: germline.

Myriad Genetics, Inc.
Classification: Pathogenic for Pheochromocytoma/paraganglioma syndrome 4. Last evaluated: 2023-02-08. Review status: criteria provided, single submitter. Criteria: Myriad Autosomal Dominant, Autosomal Recessive and X-Linked Classification Criteria (2023). Collection method: clinical testing. Allele origin: unknown.
Comment: This variant is considered pathogenic. This variant has been reported in multiple individuals with clinical features of gene-specific disease [PMID:33628464, 30050099, 27867439, 28503760]. This variant is expected to disrupt protein structure [Myriad internal data].

GeneDx
Classification: Pathogenic. Last evaluated: 2016-10-04. Review status: criteria provided, single submitter. Criteria: GeneDx Variant Classification (06012015). Collection method: clinical testing. Allele origin: germline. Affected: yes.
Comment: This pathogenic variant is denoted SDHB c.574T>C at the cDNA level, p.Cys192Arg (C192R) at the protein level, and results in the change of a Cysteine to an Arginine (TGT>CGT). This variant has been reported in numerous individuals with parangangliomas or pheochromocytomas, many of which were metastatic (Neumann 2002, Timmers 2007, Burnichon 2009, Hensen 2012, Lefebvre 2012, Michalowska 2015, Sue 2015). SDHB Cys192Arg was not observed in approximately 6,500 individuals of European and African American ancestry in the NHLBI Exome Sequencing Project, suggesting it is not a common benign variant in these populations. Since Cysteine and Arginine differ in polarity, charge, size or other properties, this is considered a non-conservative amino acid substitution. SDHB Cys192Arg occurs at a position that is conserved across species and is located in the 4Fe-4S ferredoxin-type domain (Uniprot). In silico analyses predict that this variant is probably damaging to protein structure and function. Based on currently available evidence, we consider this variant to be pathogenic.

Section on Medical Neuroendocrinolgy, National Institutes of Health
Classification: Likely pathogenic for Hereditary pheochromocytoma and paraganglioma. Review status: no assertion criteria provided. Collection method: research. Allele origin: germline. Affected: yes. Not counted in ClinVar's aggregate classification.

Literature cited by the submitters: PubMed 12000816 (cited by Labcorp Genetics (formerly Invitae), Labcorp and Ambry Genetics); PubMed 17200167 (cited by Labcorp Genetics (formerly Invitae), Labcorp and Ambry Genetics); PubMed 18382370 (cited by Labcorp Genetics (formerly Invitae), Labcorp and Ambry Genetics); PubMed 22517554 (cited by Labcorp Genetics (formerly Invitae), Labcorp and Ambry Genetics); PubMed 25371406 (cited by Labcorp Genetics (formerly Invitae), Labcorp); PubMed 27785149 (cited by Labcorp Genetics (formerly Invitae), Labcorp and Ambry Genetics); PubMed 22835832 (cited by Labcorp Genetics (formerly Invitae), Labcorp and Ambry Genetics); PubMed 19454582 (cited by Ambry Genetics); PubMed 22904323 (cited by Ambry Genetics); PubMed 28503760 (cited by Ambry Genetics and Myriad Genetics, Inc.); PubMed 33628464 (cited by Myriad Genetics, Inc.); PubMed 30050099 (cited by Myriad Genetics, Inc.); PubMed 27867439 (cited by Myriad Genetics, Inc.).

NM_003000.3(SDHB):c.574T>C (p.Cys192Arg)

Gene: SDHB (succinate dehydrogenase complex iron sulfur subunit B; minus strand). Cytogenetic location: 1p36.13.
Variant type: single nucleotide variant.
Coding change: c.574T>C on transcript NM_003000.3 (MANE Select); coding-DNA position 574, T replaced by C.
Protein change: p.Cys192Arg; replaces cysteine 192 with arginine.
Molecular consequence: missense variant.
Genome position (GRCh38, 1-based): chr1:17,024,041, A>G on the plus strand (T>C on the coding strand, the complement: SDHB is on the minus strand). VCF-style: chr1-17024041-A-G. GRCh37 (hg19) VCF-style: chr1-17350536-A-G.
Other names: short protein forms C192R.
Identifiers: ClinVar variation 186150 (VCV000186150.25), dbSNP rs786202732, ClinGen allele CA015973.